The following is an entry in ClinVar:

ClinVar aggregate classification (germline): Uncertain significance (1 of 4 stars; one submission).

Submission:

Labcorp Genetics (formerly Invitae), Labcorp
Classification: Uncertain significance. Last evaluated: 2023-06-03. Review status: criteria provided, single submitter. Criteria: Invitae Variant Classification Sherloc (09022015). Collection method: clinical testing. Allele origin: germline.
Comment: In summary, the available evidence is currently insufficient to determine the role of this variant in disease. Therefore, it has been classified as a Variant of Uncertain Significance. Advanced modeling of protein sequence and biophysical properties (such as structural, functional, and spatial information, amino acid conservation, physicochemical variation, residue mobility, and thermodynamic stability) performed at Invitae indicates that this missense variant is expected to disrupt GSN protein function. This variant has not been reported in the literature in individuals affected with GSN-related conditions. This variant is not present in population databases (gnomAD no frequency). This sequence change replaces alanine, which is neutral and non-polar, with serine, which is neutral and polar, at codon 507 of the GSN protein (p.Ala507Ser).

NM_198252.3(GSN):c.1366G>T (p.Ala456Ser)

Gene: GSN (gelsolin; plus strand). Cytogenetic location: 9q33.2.
Variant type: single nucleotide variant.
Coding change: c.1366G>T on transcript NM_198252.3 (MANE Select); coding-DNA position 1366, G replaced by T.
Protein change: p.Ala456Ser; replaces alanine 456 with serine.
Molecular consequence: missense variant.
Genome position (GRCh38, 1-based): chr9:121,324,594, G>T. VCF-style: chr9-121324594-G-T. GRCh37 (hg19) VCF-style: chr9-124086872-G-T.
Other names: c.1519G>T, p.Ala507Ser (NM_000177.5); c.1366G>T, p.Ala456Ser (NM_001127662.2, NM_001127664.2, NM_001127665.2 and 10 more transcripts); c.1474G>T, p.Ala492Ser (NM_001127663.2); c.1399G>T, p.Ala467Ser (NM_001127666.2, NM_001127667.2, NM_001353073.2 and 13 more transcripts); c.1417G>T, p.Ala473Ser (NM_001258029.2); c.1390G>T, p.Ala464Ser (NM_001258030.2); c.1438G>T, p.Ala480Ser (NM_001353076.2); c.712G>T, p.Ala238Ser (NM_001353078.2); short protein forms A473S, A238S, A492S, A467S, A480S, A456S, A464S, A507S.
Identifiers: ClinVar variation 2815121 (VCV002815121.3), dbSNP rs2541133279, ClinGen allele CA374752153.
Genomic context (GRCh38, chr9:121,324,594, plus strand): 5'-AATCTCACTTCCCCTTCCAGGCAGGGTGCCCAGTCTACCCAGGATGAGGTCGCTGCATCT[G>T]CCATCCTGACTGCTCAGCTGGATGAGGAGCTGGGAGGTACCCCTGTCCAGGTGAGCCCAG-3'
Protein context (NP_937895.1, residues 446-466): QSTQDEVAAS[Ala456Ser]ILTAQLDEEL